The following is an entry in ClinVar:

ClinVar aggregate classification (germline): Pathogenic (1 of 4 stars; one submission).

Conditions:
ALG9 congenital disorder of glycosylation (CDG1L). Also called: CDG Il; CONGENITAL DISORDER OF GLYCOSYLATION, TYPE Il; ALG9-CDG. Identifiers: Orphanet 79328, MedGen C2931006, MONDO:0012117, OMIM 608776.

Submission:

Labcorp Genetics (formerly Invitae), Labcorp
Classification: Pathogenic for ALG9 congenital disorder of glycosylation. Last evaluated: 2022-09-13. Review status: criteria provided, single submitter. Criteria: Invitae Variant Classification Sherloc (09022015). Collection method: clinical testing. Allele origin: germline.
Comment: This sequence change creates a premature translational stop signal (p.Tyr642*) in the ATP6V0A2 gene. It is expected to result in an absent or disrupted protein product. Loss-of-function variants in ATP6V0A2 are known to be pathogenic (PMID: 18157129, 19321599). This variant is not present in population databases (gnomAD no frequency). This variant has not been reported in the literature in individuals affected with ATP6V0A2-related conditions. For these reasons, this variant has been classified as Pathogenic.

Literature cited by the submitters: PubMed 18157129; PubMed 19321599.

NM_012463.4(ATP6V0A2):c.1926C>A (p.Tyr642Ter)

Genes: ATP6V0A2 (ATPase H+ transporting V0 subunit a2; plus strand), LOC126861666 (CDK7 strongly-dependent group 2 enhancer GRCh37_chr12:124232793-124233992; plus strand). Cytogenetic location: 12q24.31.
Variant type: single nucleotide variant.
Coding change: c.1926C>A on transcript NM_012463.4 (MANE Select); coding-DNA position 1926, C replaced by A.
Protein change: p.Tyr642Ter; replaces tyrosine 642 with a stop codon.
Molecular consequence: nonsense.
Genome position (GRCh38, 1-based): chr12:123,748,776, C>A. VCF-style: chr12-123748776-C-A. GRCh37 (hg19) VCF-style: chr12-124233323-C-A.
Other names: short protein forms Y642*.
Identifiers: ClinVar variation 2030297 (VCV002030297.4), dbSNP rs1593915216, ClinGen allele CA387161584.
Genomic context (GRCh38, chr12:123,748,776, plus strand): 5'-CATTCTGATTGAATTTATTAACATGTTTTTATTCCCAGCCAGTAAAACAAGTGGCCTTTA[C>A]ACAGGGCAGGTGAGTCATCTTCCCACCCTCATGAACTTAACGGAAGTATTCCCAATAGTC-3'